The following is an entry in ClinVar:

NM_000038.6(APC):c.1409-5A>G

Gene: APC (APC regulator of Wnt signaling pathway; plus strand). Cytogenetic location: 5q22.2.
Variant type: single nucleotide variant.
Coding change: c.1409-5A>G on transcript NM_000038.6 (MANE Select); 5 bases into the intron before coding-DNA position 1409, A replaced by G.
Molecular consequence: intron variant.
Genome position (GRCh38, 1-based): chr5:112,827,103, A>G. VCF-style: chr5-112827103-A-G. GRCh37 (hg19) VCF-style: chr5-112162800-A-G.
Other names: c.1409-5A>G (NM_001354895.2, NM_001127510.3); c.1439-5A>G (NM_001354897.2); c.1136-5A>G (NM_001354902.2); c.1355-5A>G (NM_001127511.3); c.1334-5A>G (NM_001354898.2); c.1031-5A>G (NM_001354904.2); c.560-5A>G (NM_001354906.2); c.1463-5A>G (NM_001354896.2); and 5 more.
Identifiers: ClinVar variation 411406 (VCV000411406.16), dbSNP rs768109346, ClinGen allele CA16611764.

ClinVar aggregate classification (germline): Likely pathogenic. Review status: reviewed by expert panel (3 of 4 stars). 4 submissions from 4 submitters: Likely pathogenic (1). 3 of the submissions do not count toward it. Last evaluated 2025-05-16.

Conditions:
Hereditary cancer-predisposing syndrome. Also called: Hereditary Cancer Syndrome; Tumor predisposition; Hereditary neoplastic syndrome; Neoplastic Syndromes, Hereditary. Identifiers: Orphanet 140162, MedGen C0027672, MeSH D009386, MONDO:0015356.
Inherited polyposis and early onset colorectal cancer - germline testing.
Familial adenomatous polyposis 1 (FAP1). Also called: FAMILIAL ADENOMATOUS POLYPOSIS 1, ATTENUATED; POLYPOSIS, ADENOMATOUS INTESTINAL. Identifiers: MedGen C2713442, MONDO:0021056, OMIM 175100. Disease mechanism: loss of function.

gnomAD v4.1: 1 of 1,613,318 alleles (0.000062%); highest among the groups gnomAD compares: Non-Finnish European, 0.000085%; no homozygotes.

Submissions (4):

ClinGen InSiGHT Hereditary Colorectal Cancer/Polyposis Variant Curation Expert Panel
Classification: Likely pathogenic for Familial adenomatous polyposis 1. Last evaluated: 2025-05-16. Review status: reviewed by expert panel. Criteria: ClinGen InSiGHT HCCP VCEP ACMG Specifications APC V1. Collection method: curation. Allele origin: germline. Inheritance: Autosomal dominant inheritance.
Comment: The NM_000038.6(APC):c.1409-5A>G variant in APC is an intronic variant which is located at the 5th nucleotide upstream of exon 12. This variant has been reported in 5 probands meeting phenotypic criteria resulting in a total phenotype score of 3.0 points (PS4_Moderate, Invitae internal data, PMID: 24599579, 20685668, 20223039, 15459959, 11247896). This variant is absent from gnomAD v2.1.1 (PM2_Supporting). The results from ≥ 2 in silico splicing predictors (SpliceAI and VarSeak) indicate that this variant may affect splicing by disrupting the acceptor site of intron 11 of APC by creating a strong alternate acceptor site 5 nucleotides upstream (PP3). Mini-gene assay demonstrated that the variant impacts splicing by skipping of exon 12 resulting in a frameshift and premature termination (PS3_Moderate [PMID: 20685668, 24599579]). The mini-gene assay demonstrated also the retention of the last 4 nucleotides of the upstream intron as a minor effect, corresponding to the creation of an alternate acceptor site 5 nucleotides upstream and also resulting in a frameshift and premature termination (internal data Normandy University, Rouen, France). In summary, this variant meets the criteria to be classified as Likely Pathogenic for autosomal-dominant inherited FAP based on the ACMG/AMP criteria applied, as specified by the ClinGen InSiGHT Hereditary Colorectal Cancer/Polyposis Variant Curation Expert Panel: criteria PS3_Moderate, PS4_Moderate, PM2_Supporting and PP3 applied (VCEP specifications version 2.0.3; date of approval: 7/24/2023).

Genomics and Molecular Medicine Service, East Genomic Laboratory Hub, NHS Genomic Medicine Service
Classification: Likely pathogenic for Inherited polyposis and early onset colorectal cancer - germline testing. Last evaluated: 2026-05-27. Review status: criteria provided, single submitter. Criteria: ACGS Best Practice Guidelines for Variant Classification in Rare Disease 2020. Collection method: clinical testing. Allele origin: germline. Affected: yes. Not counted in ClinVar's aggregate classification.
Comment: PS3_Moderate,PS4,PM2_Supporting

Ambry Genetics
Classification: Pathogenic for Hereditary cancer-predisposing syndrome. Last evaluated: 2026-05-12. Review status: criteria provided, single submitter. Criteria: Ambry Variant Classification Scheme 2023. Collection method: clinical testing. Allele origin: germline. Not counted in ClinVar's aggregate classification.
Comment: The c.1409-5A>G intronic pathogenic mutation results from an A to G substitution 5 nucleotides upstream from coding exon 11 in the APC gene. This variant was reported in individuals with features consistent with APC-related familial adenomatous polyposis (Friedl W et al. Gut, 2001 Apr;48:515-21; Lagarde A et al. J Med Genet. 2010 Oct;47(10):721-2; Ambry internal data). This nucleotide position is highly conserved in available vertebrate species. In silico splice site analysis predicts that this alteration will result in the creation or strengthening of a novel splice acceptor site. RNA studies have demonstrated that this alteration results in abnormal splicing in the set of samples tested (Grandval P et al. Hum Mutat, 2014 May;35:532-6; Ambry internal data). This variant is considered to be rare based on population cohorts in the Genome Aggregation Database (gnomAD). Based on the supporting evidence, this variant is interpreted as a disease-causing mutation.

Labcorp Genetics (formerly Invitae), Labcorp
Classification: Pathogenic for Familial adenomatous polyposis 1. Last evaluated: 2025-04-27. Review status: criteria provided, single submitter. Criteria: Invitae Variant Classification Sherloc (09022015). Collection method: clinical testing. Allele origin: germline. Not counted in ClinVar's aggregate classification.
Comment: This sequence change falls in intron 11 of the APC gene. It does not directly change the encoded amino acid sequence of the APC protein. This variant is not present in population databases (gnomAD no frequency). This variant has been observed in individuals with familial adenomatous polyposis (FAP) (PMID: 11247896, 20223039, 20685668, 23159591; internal data). ClinVar contains an entry for this variant (Variation ID: 411406). Studies have shown that this variant is associated with inconclusive levels of altered splicing (PMID: 20685668; internal data). For these reasons, this variant has been classified as Pathogenic.

Literature cited by the submitters: PubMed 20685668 (cited by 3 submitters); PubMed 11247896 (cited by Ambry Genetics and Labcorp Genetics (formerly Invitae), Labcorp); PubMed 24599579 (cited by Ambry Genetics); PubMed 20223039 (cited by Labcorp Genetics (formerly Invitae), Labcorp); PubMed 23159591 (cited by Labcorp Genetics (formerly Invitae), Labcorp).